The following is an entry in ClinVar:

NM_001940.4(ATN1):c.1464GCA[16] (p.Gln502dup)

Genes: ATN1 (atrophin 1; plus strand), LOC109461484 (atrophin 1 repeat instability region; plus strand). Cytogenetic location: 12p13.31.
Variant type: Microsatellite.
Coding change: c.1464GCA[16] on transcript NM_001940.4 (MANE Select); 16 copies in a row of the 3-base unit GCA starting at c.1464; the reference has 15 copies in a row; one copy, 3 bases duplicated.
Protein change: p.Gln502dup; duplicates glutamine 502.
Molecular consequence: inframe insertion.
Genome position (GRCh38, 1-based): chr12:6,936,773-6,936,775, GCA duplicated; duplicating any 3 consecutive bases within chr12:6,936,729-6,936,775 gives the same sequence; the position shown is the placement nearest the transcript's 3' end. VCF-style (leftmost placement, unchanged base first): chr12-6936728-A-ACAG. GRCh37 (hg19) VCF-style: chr12-7045891-A-ACAG.
Other names: p.Gln502dup; c.1464GCA[16], p.Gln502dup (NM_001007026.2); c.1461_1462insCAG (NM_001007026.2); c.1506_1508dupGCA (NM_001007026.1); c.1506_1508dup (NM_001007026.2).
Identifiers: ClinVar variation 599473 (VCV000599473.21), dbSNP rs60216939, ClinGen allele CA478518876.

ClinVar aggregate classification (germline): Conflicting classifications of pathogenicity. Review status: criteria provided, conflicting classifications (1 of 4 stars). 11 submissions from 11 submitters: Uncertain significance (1); Benign (5); Likely benign (2). 3 of the submissions do not count toward it. Last evaluated 2025-02-16.

Conditions:
ATN1-related disorder. Also called: ATN1-related disorders; ATN1-related condition.
Congenital hypotonia, epilepsy, developmental delay, and digital anomalies (CHEDDA). Also called: ATN1-Related Neurodevelopmental Disorder. Identifiers: MedGen C5193125, MONDO:0032781, OMIM 618494.
Dentatorubral-pallidoluysian atrophy (DRPLA). Also called: ATAXIA, CHOREA, SEIZURES, AND DEMENTIA; HAW RIVER SYNDROME; Naito Oyanagi disease; MYOCLONIC EPILEPSY WITH CHOREOATHETOSIS. Identifiers: Orphanet 101, MedGen C0751781, MONDO:0007435, OMIM 125370.

Submissions (11):

Laboratory of Genetics, Children's Clinical University Hospital Latvia
Classification: Benign. Last evaluated: 2025-02-16. Review status: criteria provided, single submitter. Criteria: ACMG Guidelines, 2015. Collection method: clinical testing. Allele origin: germline. Affected: yes.

Blueprint Genetics
Classification: Likely benign. Last evaluated: 2024-11-27. Review status: criteria provided, single submitter. Criteria: ACMG Guidelines, 2015. Collection method: clinical testing. Allele origin: germline.

Fulgent Genetics
Classification: Uncertain significance for Dentatorubral-pallidoluysian atrophy; Congenital hypotonia, epilepsy, developmental delay, and digital anomalies. Last evaluated: 2024-05-10. Review status: criteria provided, single submitter. Criteria: ACMG Guidelines, 2015. Collection method: clinical testing. Allele origin: germline.

Genomic Medicine Center of Excellence, King Faisal Specialist Hospital and Research Centre
Classification: Benign for Congenital hypotonia, epilepsy, developmental delay, and digital anomalies. Last evaluated: 2023-12-12. Review status: criteria provided, single submitter. Criteria: ACMG Guidelines, 2015. Collection method: research. Allele origin: germline.

Mayo Clinic Laboratories, Mayo Clinic
Classification: Benign. Last evaluated: 2022-07-29. Review status: criteria provided, single submitter. Criteria: ACMG Guidelines, 2015. Collection method: clinical testing. Allele origin: germline. Observed: 43 variant alleles.

GeneDx
Classification: Benign. Last evaluated: 2020-05-19. Review status: criteria provided, single submitter. Criteria: GeneDx Variant Classification Process June 2021. Collection method: clinical testing. Allele origin: germline. Affected: yes.

Department of Pathology and Laboratory Medicine, Sinai Health System
Classification: Likely benign for Dentatorubral-pallidoluysian atrophy; Congenital hypotonia, epilepsy, developmental delay, and digital anomalies. Last evaluated: 2018-12-14. Review status: criteria provided, single submitter. Criteria: ACMG Guidelines, 2015. Collection method: research. Allele origin: germline.

Institute for Genomic Medicine (IGM) Clinical Laboratory, Nationwide Children's Hospital
Classification: Benign. Last evaluated: 2017-03-20. Review status: criteria provided, single submitter. Criteria: ACMG Guidelines, 2015. Collection method: clinical testing. Allele origin: germline.
Comment: Normal variation in repetative sequence

PreventionGenetics, part of Exact Sciences
Classification: Benign for ATN1-related condition. Last evaluated: 2019-04-11. Review status: no assertion criteria provided. Collection method: clinical testing. Allele origin: germline. Not counted in ClinVar's aggregate classification.
Comment: This variant is classified as benign based on ACMG/AMP sequence variant interpretation guidelines (Richards et al. 2015 PMID: 25741868, with internal and published modifications).

Clinical Genetics DNA and cytogenetics Diagnostics Lab, Erasmus MC, Erasmus Medical Center
Classification: Likely benign. Review status: no assertion criteria provided. Collection method: clinical testing. Allele origin: germline. Affected: yes. Study: VKGL Data-share Consensus. Not counted in ClinVar's aggregate classification.

Diagnostic Laboratory, Department of Genetics, University Medical Center Groningen
Classification: Benign. Review status: no assertion criteria provided. Collection method: clinical testing. Allele origin: germline. Affected: yes. Study: VKGL Data-share Consensus. Not counted in ClinVar's aggregate classification.

Literature cited by the submitters: PubMed 8136840 (cited by Institute for Genomic Medicine (IGM) Clinical Laboratory, Nationwide Children's Hospital).